The following is an entry in ClinVar:

ClinVar aggregate classification (germline): Uncertain significance (1 of 4 stars; one submission).

Conditions:
Inborn genetic diseases. Identifiers: MedGen C0950123, MeSH D030342.

Submission:

Ambry Genetics
Classification: Uncertain significance for Inborn genetic diseases. Last evaluated: 2026-05-19. Review status: criteria provided, single submitter. Criteria: Ambry Variant Classification Scheme 2023. Collection method: clinical testing. Allele origin: germline.
Comment: The c.1343A>G (p.Q448R) alteration is located in exon 3 (coding exon 3) of the ZIC2 gene. This alteration results from a A to G substitution at nucleotide position 1343, causing the glutamine (Q) at amino acid position 448 to be replaced by an arginine (R). Based on data from gnomAD, the G allele has an overall frequency of <0.001% (1/223090) total alleles studied. The highest observed frequency was 0.003% (1/30216) of South Asian alleles. Based on insufficient or conflicting evidence, the clinical significance of this alteration remains unclear.

NM_007129.5(ZIC2):c.1343A>G (p.Gln448Arg)

Gene: ZIC2 (Zic family zinc finger 2; plus strand). Cytogenetic location: 13q32.3.
Variant type: single nucleotide variant.
Coding change: c.1343A>G on transcript NM_007129.5 (MANE Select); coding-DNA position 1343, A replaced by G.
Protein change: p.Gln448Arg; replaces glutamine 448 with arginine.
Molecular consequence: missense variant.
Genome position (GRCh38, 1-based): chr13:99,985,426, A>G. VCF-style: chr13-99985426-A-G. GRCh37 (hg19) VCF-style: chr13-100637680-A-G.
Other names: short protein forms Q448R.
Identifiers: ClinVar variation 4866895 (VCV004866895.1).